The following is an entry in ClinVar:

NM_002666.5(PLIN1):c.450C>G (p.Cys150Trp)

Gene: PLIN1 (perilipin 1; minus strand). Cytogenetic location: 15q26.1.
Variant type: single nucleotide variant.
Coding change: c.450C>G on transcript NM_002666.5 (MANE Select); coding-DNA position 450, C replaced by G.
Protein change: p.Cys150Trp; replaces cysteine 150 with tryptophan.
Molecular consequence: missense variant.
Genome position (GRCh38, 1-based): chr15:89,670,128, G>C on the plus strand (C>G on the coding strand, the complement: PLIN1 is on the minus strand). VCF-style: chr15-89670128-G-C. GRCh37 (hg19) VCF-style: chr15-90213359-G-C.
Other names: c.450C>G, p.Cys150Trp (NM_001145311.2); short protein forms C150W.
Identifiers: ClinVar variation 3349803 (VCV003349803.1).

ClinVar aggregate classification (germline): Uncertain significance (0 of 4 stars; one submission).

Conditions:
PLIN1-related disorder. Also called: PLIN1-related condition.

Submission:

PreventionGenetics, part of Exact Sciences
Classification: Uncertain significance for PLIN1-related condition. Last evaluated: 2024-03-24. Review status: no assertion criteria provided. Collection method: clinical testing. Allele origin: germline.
Comment: The PLIN1 c.450C>G variant is predicted to result in the amino acid substitution p.Cys150Trp. To our knowledge, this variant has not been reported in the literature or in a large population database, indicating this variant is rare. At this time, the clinical significance of this variant is uncertain due to the absence of conclusive functional and genetic evidence.